The following is an entry in ClinVar:

ClinVar aggregate classification (germline): Uncertain significance. Review status: criteria provided, multiple submitters, no conflicts (2 of 4 stars). 5 submissions from 5 submitters: Uncertain significance (5). Last evaluated 2025-08-30.

Conditions:
Dyskeratosis congenita, autosomal dominant 2. Identifiers: MedGen C3151443, MONDO:0013521, OMIM 613989.
Idiopathic Pulmonary Fibrosis. Also called: Idiopathic fibrosing alveolitis, chronic form; idiopathic fibrosing alveolitis. Identifiers: Orphanet 2032, MedGen C1800706, MeSH D054990, MONDO:0800504.
Interstitial lung disease 2 (ILD2). Also called: Familial idiopathic pulmonary fibrosis; FIBROCYSTIC PULMONARY DYSPLASIA; FIBROSING ALVEOLITIS, CRYPTOGENIC. Identifiers: Orphanet 2032, Orphanet 79126, MedGen C5561926, MONDO:0800497, OMIM 178500, MONDO:0800029.
Melanoma, cutaneous malignant, susceptibility to, 9. Also called: Cutaneous malignant melanoma 9. Identifiers: Orphanet 618, MedGen C3554574, MONDO:0014056, OMIM 615134.
Aplastic anemia. Identifiers: Orphanet 88, MedGen C0002874, MONDO:0015909, OMIM 609135, HP:0001915, Orphanet 182040.
Dyskeratosis congenita, autosomal dominant 1 (DKCA1). Also called: Dyskeratosis congenita Scoggins type. Identifiers: Orphanet 1775, MedGen C4551974, MONDO:0007485, OMIM 127550. Inheritance: Variable.
Acute myeloid leukemia (AML). Also called: Leukemia, acute myeloid, somatic; Leukemia, acute myelogenous, somatic; Acute myeloid leukemia, adult; AML adult; Acute non-lymphocytic leukemia; Acute granulocytic leukemia. Identifiers: Orphanet 519, MedGen C0023467, MeSH D015470, MONDO:0018874, OMIM 601626, HP:0004808. Disease mechanism: Constitutively activated FLT3.
Pulmonary fibrosis and/or bone marrow failure, Telomere-related, 1. Also called: PULMONARY FIBROSIS AND/OR BONE MARROW FAILURE SYNDROME, TELOMERE-RELATED, 1. Identifiers: Orphanet 88, MedGen C3553617, MONDO:0013878, OMIM 614742.
Dyskeratosis congenita. Identifiers: Orphanet 1775, MedGen C0265965, MONDO:0015780.

Allele frequency attached by ClinVar (database versions not stated): gnomAD exomes 0.00001 and 0.00012; TOPMed 0.00005; gnomAD 0.00006 and 0.00008; 1000 Genomes Project 30x 0.00031.
gnomAD v4.1: 29 of 1,480,678 alleles (0.002%); highest among the groups gnomAD compares: Admixed American, 0.068%; 1 homozygote.

Submissions (5):

Ambry Genetics
Classification: Uncertain significance for Dyskeratosis congenita. Last evaluated: 2025-08-30. Review status: criteria provided, single submitter. Criteria: Ambry Variant Classification Scheme 2023. Collection method: clinical testing. Allele origin: germline.

GeneDx
Classification: Uncertain significance. Last evaluated: 2024-08-11. Review status: criteria provided, single submitter. Criteria: GeneDx Variant Classification Process June 2021. Collection method: clinical testing. Allele origin: germline.
Comment: In silico analysis indicates that this missense variant does not alter protein structure/function; Has not been previously published as pathogenic or benign to our knowledge; This variant is associated with the following publications: (PMID: MunirA2023[article])

Labcorp Genetics (formerly Invitae), Labcorp
Classification: Uncertain significance for Dyskeratosis congenita, autosomal dominant 2; Idiopathic Pulmonary Fibrosis. Last evaluated: 2024-08-05. Review status: criteria provided, single submitter. Criteria: Invitae Variant Classification Sherloc (09022015). Collection method: clinical testing. Allele origin: germline.
Comment: This sequence change replaces glutamine, which is neutral and polar, with histidine, which is basic and polar, at codon 53 of the TERT protein (p.Gln53His). This variant is present in population databases (no rsID available, gnomAD 0.05%). This variant has not been reported in the literature in individuals affected with TERT-related conditions. ClinVar contains an entry for this variant (Variation ID: 410683). Advanced modeling of protein sequence and biophysical properties (such as structural, functional, and spatial information, amino acid conservation, physicochemical variation, residue mobility, and thermodynamic stability) has been performed at Invitae for this missense variant, however the output from this modeling did not meet the statistical confidence thresholds required to predict the impact of this variant on TERT protein function. In summary, the available evidence is currently insufficient to determine the role of this variant in disease. Therefore, it has been classified as a Variant of Uncertain Significance.

Baylor Genetics
Classification: Uncertain significance for Dyskeratosis congenita, autosomal dominant 2. Last evaluated: 2023-05-02. Review status: criteria provided, single submitter. Criteria: ACMG Guidelines, 2015. Collection method: clinical testing. Allele origin: unknown.

Fulgent Genetics
Classification: Uncertain significance for Dyskeratosis congenita, autosomal dominant 1; Interstitial lung disease 2; Acute myeloid leukemia; Aplastic anemia; Dyskeratosis congenita, autosomal dominant 2; Pulmonary fibrosis and/or bone marrow failure, Telomere-related, 1; Melanoma, cutaneous malignant, susceptibility to, 9. Last evaluated: 2018-10-31. Review status: criteria provided, single submitter. Criteria: ACMG Guidelines, 2015. Collection method: clinical testing. Allele origin: unknown.

NM_198253.3(TERT):c.159G>C (p.Gln53His)

Genes: TERT (telomerase reverse transcriptase; minus strand), LOC110806263 (TERT 5' regulatory region; plus strand). Cytogenetic location: 5p15.33.
Variant type: single nucleotide variant.
Coding change: c.159G>C on transcript NM_198253.3 (MANE Select); coding-DNA position 159, G replaced by C.
Protein change: p.Gln53His; replaces glutamine 53 with histidine.
Molecular consequence: missense variant. On other transcripts: non-coding transcript variant (2).
Genome position (GRCh38, 1-based): chr5:1,294,831, C>G on the plus strand (G>C on the coding strand, the complement: TERT is on the minus strand). VCF-style: chr5-1294831-C-G. GRCh37 (hg19) VCF-style: chr5-1294946-C-G.
Other names: c.159G>C, p.Gln53His (NM_001193376.3); short protein forms Q53H.
Identifiers: ClinVar variation 410683 (VCV000410683.14), dbSNP rs1060503006, ClinGen allele CA16611700.